The following is an entry in ClinVar:

ClinVar aggregate classification (germline): Uncertain significance. Review status: criteria provided, multiple submitters, no conflicts (2 of 4 stars). 3 submissions from 3 submitters: Uncertain significance (3). Last evaluated 2025-02-11.

Conditions:
Inborn genetic diseases. Identifiers: MedGen C0950123, MeSH D030342.
Congenital myotonia, autosomal dominant form (THD). Also called: THOMSEN DISEASE; Myotonia congenita autosomal dominant. Identifiers: Orphanet 614, MedGen C2936781, MONDO:0008055, OMIM 160800.
Congenital myotonia, autosomal recessive form. Also called: Becker Generalized Myotonia; myotonia congenita, autosomal recessive; BECKER DISEASE. Identifiers: Orphanet 614, MedGen C0751360, MONDO:0009715, OMIM 255700.

Allele frequency attached by ClinVar (database versions not stated): gnomAD 0.00001; TOPMed 0.00001.
gnomAD v4.1: 6 of 1,613,954 alleles (0.00037%); highest among the groups gnomAD compares: Middle Eastern, 0.082%; 1 homozygote.

Submissions (3):

Labcorp Genetics (formerly Invitae), Labcorp
Classification: Uncertain significance for Congenital myotonia, autosomal recessive form; Congenital myotonia, autosomal dominant form. Last evaluated: 2025-02-11. Review status: criteria provided, single submitter. Criteria: Invitae Variant Classification Sherloc (09022015). Collection method: clinical testing. Allele origin: germline.
Comment: This sequence change replaces glycine, which is neutral and non-polar, with arginine, which is basic and polar, at codon 845 of the CLCN1 protein (p.Gly845Arg). This variant is present in population databases (rs755433272, gnomAD no frequency). This variant has not been reported in the literature in individuals affected with CLCN1-related conditions. ClinVar contains an entry for this variant (Variation ID: 1052053). Invitae Evidence Modeling of protein sequence and biophysical properties (such as structural, functional, and spatial information, amino acid conservation, physicochemical variation, residue mobility, and thermodynamic stability) has been performed for this missense variant. However, the output from this modeling did not meet the statistical confidence thresholds required to predict the impact of this variant on CLCN1 protein function. In summary, the available evidence is currently insufficient to determine the role of this variant in disease. Therefore, it has been classified as a Variant of Uncertain Significance.

Ambry Genetics
Classification: Uncertain significance for Inborn genetic diseases. Last evaluated: 2024-11-13. Review status: criteria provided, single submitter. Criteria: Ambry Variant Classification Scheme 2023. Collection method: clinical testing. Allele origin: germline.

Revvity Omics, Revvity
Classification: Uncertain significance. Last evaluated: 2021-09-17. Review status: criteria provided, single submitter. Criteria: ACMG Guidelines, 2015. Collection method: clinical testing. Allele origin: germline.

NM_000083.3(CLCN1):c.2533G>C (p.Gly845Arg)

Gene: CLCN1 (chloride voltage-gated channel 1; plus strand). Cytogenetic location: 7q34.
Variant type: single nucleotide variant.
Coding change: c.2533G>C on transcript NM_000083.3 (MANE Select); coding-DNA position 2533, G replaced by C.
Protein change: p.Gly845Arg; replaces glycine 845 with arginine.
Molecular consequence: missense variant. On other transcripts: non-coding transcript variant (1).
Genome position (GRCh38, 1-based): chr7:143,350,592, G>C. VCF-style: chr7-143350592-G-C. GRCh37 (hg19) VCF-style: chr7-143047685-G-C.
Other names: c.2533G>C (NM_000083.2); short protein forms G845R.
Identifiers: ClinVar variation 1052053 (VCV001052053.9), dbSNP rs755433272, ClinGen allele CA4537724.